The following is an entry in ClinVar:

ClinVar aggregate classification (germline): Conflicting classifications of pathogenicity. Review status: criteria provided, conflicting classifications (1 of 4 stars). 6 submissions from 6 submitters: Uncertain significance (1); Benign (1); Likely benign (3). 1 of the submissions does not count toward it. Last evaluated 2026-02-01.

Conditions:
Idiopathic generalized epilepsy. Also called: Generalised epilepsy; EIG. Identifiers: MedGen C0270850, MONDO:0005579, OMIM 600669.
Hyperaldosteronism, familial, type IV (HALD4). Also called: FH IV; ALDOSTERONISM, PRIMARY, AND HYPERTENSION. Identifiers: Orphanet 642671, MedGen C4310756, MONDO:0014875, OMIM 617027.
Epilepsy, idiopathic generalized, susceptibility to, 6. Also called: Epilepsy, idiopathic generalized 6. Identifiers: MedGen C2677793, MONDO:0800279.

Allele frequency attached by ClinVar (database versions not stated): 1000 Genomes Project 30x 0.00031; 1000 Genomes Project 0.00040; gnomAD 0.00046 and 0.00049; TOPMed 0.00052; gnomAD exomes 0.00054 and 0.00098; ExAC 0.00120.
gnomAD v4.1: 1,457 of 1,585,064 alleles (0.092%); highest among the groups gnomAD compares: Non-Finnish European, 0.12%; 3 homozygotes.

Submissions (6):

CeGaT Center for Human Genetics Tuebingen
Classification: Benign. Last evaluated: 2026-02-01. Review status: criteria provided, single submitter. Criteria: CeGaT Center For Human Genetics Tuebingen Variant Classification Criteria Version 2. Collection method: clinical testing. Allele origin: germline. Affected: yes. Observed: 2 variant alleles.
Comment: CACNA1H: BS1, BS2

Labcorp Genetics (formerly Invitae), Labcorp
Classification: Likely benign for Idiopathic generalized epilepsy; Hyperaldosteronism, familial, type IV. Last evaluated: 2025-12-19. Review status: criteria provided, single submitter. Criteria: Invitae Variant Classification Sherloc (09022015). Collection method: clinical testing. Allele origin: germline.

GeneDx
Classification: Uncertain significance. Last evaluated: 2025-07-10. Review status: criteria provided, single submitter. Criteria: GeneDx Variant Classification Process June 2021. Collection method: clinical testing. Allele origin: germline. Affected: yes.
Comment: In silico analysis supports that this missense variant has a deleterious effect on protein structure/function; This variant is associated with the following publications: (PMID: 17696120, 15852375, 30197081, 32227660, 34426522, 15048902)

Blueprint Genetics
Classification: Likely benign. Last evaluated: 2024-11-22. Review status: criteria provided, single submitter. Criteria: ACMG Guidelines, 2015. Collection method: clinical testing. Allele origin: germline.

Athena Diagnostics
Classification: Likely benign. Last evaluated: 2018-05-14. Review status: criteria provided, single submitter. Criteria: Athena Diagnostics Criteria. Collection method: clinical testing. Allele origin: germline.

OMIM
Classification: risk factor for EPILEPSY, IDIOPATHIC GENERALIZED, SUSCEPTIBILITY TO, 6. Last evaluated: 2005-05-01. Review status: no assertion criteria provided. Collection method: literature only. Allele origin: germline. Not counted in ClinVar's aggregate classification.

Literature cited by the submitters: PubMed 15048902 (cited by Athena Diagnostics and OMIM); PubMed 15852375 (cited by Athena Diagnostics and OMIM); PubMed 17696120 (cited by Athena Diagnostics).

NM_021098.3(CACNA1H):c.1853C>T (p.Pro618Leu)

Gene: CACNA1H (calcium voltage-gated channel subunit alpha1 H; plus strand). Cytogenetic location: 16p13.3.
Variant type: single nucleotide variant.
Coding change: c.1853C>T on transcript NM_021098.3 (MANE Select); coding-DNA position 1853, C replaced by T.
Protein change: p.Pro618Leu; replaces proline 618 with leucine.
Molecular consequence: missense variant.
Genome position (GRCh38, 1-based): chr16:1,202,303, C>T. VCF-style: chr16-1202303-C-T. GRCh37 (hg19) VCF-style: chr16-1252303-C-T.
Other names: c.1853C>T, p.Pro618Leu (NM_001005407.2); short protein forms P618L.
Identifiers: ClinVar variation 2705 (VCV000002705.50), dbSNP rs60734921, ClinGen allele CA115694.